The following is an entry in ClinVar:

NM_144997.7(FLCN):c.1357_1363del (p.Gly453fs)

Gene: FLCN (folliculin; minus strand). Cytogenetic location: 17p11.2.
Variant type: Deletion.
Coding change: c.1357_1363del on transcript NM_144997.7 (MANE Select); coding-DNA positions 1357 to 1363, 7 bases deleted (GGGTGTG; older notation c.1357_1363delGGGTGTG).
Protein change: p.Gly453fs; shifts the reading frame from glycine 453.
Molecular consequence: frameshift variant.
Genome position (GRCh38, 1-based): chr17:17,215,254-17,215,260, CACACCC deleted on the plus strand (GGGTGTG on the coding strand, the reverse complement: FLCN is on the minus strand); deleting any 7 consecutive bases within chr17:17,215,254-17,215,264 gives the same sequence; the c. name uses the placement nearest the transcript's 3' end. VCF-style (leftmost placement, unchanged base first): chr17-17215253-TCACACCC-T. GRCh37 (hg19) VCF-style: chr17-17118567-TCACACCC-T.
Other names: c.1357_1363del (LRG_325t1, NM_144997.5); c.1411_1417del, p.Gly471fs (NM_001353229.2); c.1357_1363del, p.Gly453fs (NM_001353230.2, NM_001353231.2); short protein forms G453fs, G471fs.
Identifiers: ClinVar variation 428658 (VCV000428658.15), dbSNP rs1131690841, ClinGen allele CA498421326.

ClinVar aggregate classification (germline): Pathogenic/Likely pathogenic. Review status: criteria provided, multiple submitters, no conflicts (2 of 4 stars). 4 submissions from 4 submitters: Pathogenic (3); Likely pathogenic (1). Last evaluated 2026-03-16.

Conditions:
Colorectal cancer. Also called: Colorectal cancer, somatic; Malignant Colorectal Neoplasm. Identifiers: MedGen C0346629, MONDO:0005575, OMIM 114500.
Birt-Hogg-Dube syndrome. Also called: Birt Hogg Dubé syndrome. Identifiers: Orphanet 122, MedGen C0346010, MONDO:0800444.
Familial spontaneous pneumothorax (PSP). Identifiers: Orphanet 2903, MedGen C1868193, MONDO:0008259, OMIM 173600.
Nonpapillary renal cell carcinoma. Identifiers: Orphanet 422526, MedGen CN074294, MONDO:0007763, OMIM 144700.
17p11.2 microduplication syndrome (PTLS). Also called: CHROMOSOME 17p11.2 DUPLICATION SYNDROME; Potocki-Lupski syndrome; Duplication 17p11.2 syndrome; Potocki-Lupski syndrome (dup(17)(p11.2p11.2)). Identifiers: Orphanet 1713, MedGen C2931246, MONDO:0012574, OMIM 610883.
Hereditary cancer-predisposing syndrome. Also called: Tumor predisposition; Hereditary Cancer Syndrome; Neoplastic Syndromes, Hereditary; Hereditary neoplastic syndrome. Identifiers: Orphanet 140162, MedGen C0027672, MeSH D009386, MONDO:0015356.
Birt-Hogg-Dube syndrome 1 (BHD1). Also called: FIBROFOLLICULOMAS WITH TRICHODISCOMAS AND ACROCHORDONS. Identifiers: Orphanet 122, MedGen CN375946, MONDO:0800445, OMIM 135150.

Submissions (4):

Myriad Genetics, Inc.
Classification: Pathogenic for Birt-Hogg-Dube syndrome 1. Last evaluated: 2026-03-16. Review status: criteria provided, single submitter. Criteria: Myriad Autosomal Dominant, Autosomal Recessive and X-Linked Classification Criteria (2023). Collection method: clinical testing. Allele origin: unknown.
Comment: This variant is considered pathogenic. This variant creates a frameshift predicted to result in premature protein truncation.

Ambry Genetics
Classification: Pathogenic for Hereditary cancer-predisposing syndrome. Last evaluated: 2025-03-17. Review status: criteria provided, single submitter. Criteria: Ambry Variant Classification Scheme 2023. Collection method: clinical testing. Allele origin: germline.
Comment: The c.1357_1363delGGGTGTG pathogenic mutation, located in coding exon 9 of the FLCN gene, results from a deletion of 7 nucleotides at nucleotide positions 1357 to 1363, causing a translational frameshift with a predicted alternate stop codon (p.G453Rfs*13). This alteration is expected to result in loss of function by premature protein truncation or nonsense-mediated mRNA decay. As such, this alteration is interpreted as a disease-causing mutation.

Labcorp Genetics (formerly Invitae), Labcorp
Classification: Pathogenic for Birt-Hogg-Dube syndrome. Last evaluated: 2023-03-26. Review status: criteria provided, single submitter. Criteria: Invitae Variant Classification Sherloc (09022015). Collection method: clinical testing. Allele origin: germline.
Comment: For these reasons, this variant has been classified as Pathogenic. ClinVar contains an entry for this variant (Variation ID: 428658). This variant has not been reported in the literature in individuals affected with FLCN-related conditions. This variant is not present in population databases (gnomAD no frequency). This sequence change creates a premature translational stop signal (p.Gly453Argfs*13) in the FLCN gene. It is expected to result in an absent or disrupted protein product. Loss-of-function variants in FLCN are known to be pathogenic (PMID: 15852235).

Fulgent Genetics
Classification: Likely pathogenic for Colorectal cancer; Birt-Hogg-Dube syndrome 1; Nonpapillary renal cell carcinoma; Familial spontaneous pneumothorax; 17p11.2 microduplication syndrome. Last evaluated: 2021-10-13. Review status: criteria provided, single submitter. Criteria: ACMG Guidelines, 2015. Collection method: clinical testing. Allele origin: unknown.

Literature cited by the submitters: PubMed 35639097 (cited by Ambry Genetics); PubMed 15852235 (cited by Labcorp Genetics (formerly Invitae), Labcorp).